The following is an entry in ClinVar:

NM_000129.4(F13A1):c.1437T>A (p.Thr479=)

Gene: F13A1 (coagulation factor XIII A chain; minus strand). Cytogenetic location: 6p25.1.
Variant type: single nucleotide variant.
Coding change: c.1437T>A on transcript NM_000129.4 (MANE Select); coding-DNA position 1437, T replaced by A.
Protein change: p.Thr479=; no amino-acid change (threonine 479 retained).
Molecular consequence: synonymous variant.
Genome position (GRCh38, 1-based): chr6:6,182,010, A>T on the plus strand (T>A on the coding strand, the complement: F13A1 is on the minus strand). VCF-style: chr6-6182010-A-T. GRCh37 (hg19) VCF-style: chr6-6182243-A-T.
Other names: p.Thr479=.
Identifiers: ClinVar variation 4684898 (VCV004684898.1).

ClinVar aggregate classification (germline): Likely benign (1 of 4 stars; one submission).

Submission:

Mayo Clinic Laboratories, Mayo Clinic
Classification: Likely benign. Last evaluated: 2025-04-30. Review status: criteria provided, single submitter. Criteria: ACMG Guidelines, 2015. Collection method: clinical testing. Allele origin: germline. Observed: 1 variant allele.
Comment: BP4, BP7, PM2_supporting